The following is an entry in ClinVar:

NM_138387.4(G6PC3):c.142T>G (p.Tyr48Asp)

Genes: G6PC3 (glucose-6-phosphatase catalytic subunit 3; plus strand), LOC130060959 (ATAC-STARR-seq lymphoblastoid active region 12250; plus strand). Cytogenetic location: 17q21.31.
Variant type: single nucleotide variant.
Coding change: c.142T>G on transcript NM_138387.4 (MANE Select); coding-DNA position 142, T replaced by G.
Protein change: p.Tyr48Asp; replaces tyrosine 48 with aspartic acid.
Molecular consequence: missense variant. On other transcripts: 5 prime UTR variant (3), intron variant (1).
Genome position (GRCh38, 1-based): chr17:44,071,107, T>G. VCF-style: chr17-44071107-T-G. GRCh37 (hg19) VCF-style: chr17-42148475-T-G.
Other names: c.142T>G, p.Tyr48Asp (NM_001319945.2); c.-263T>G (NM_001384165.1); c.-398T>G (NM_001384166.1); c.-388T>G (NM_001384167.1); c.-312+393T>G (NM_001384168.1); short protein forms Y48D.
Identifiers: ClinVar variation 1717434 (VCV001717434.7), dbSNP rs1424492904, ClinGen allele CA399746103.

ClinVar aggregate classification (germline): Uncertain significance. Review status: criteria provided, multiple submitters, no conflicts (2 of 4 stars). 2 submissions from 2 submitters: Uncertain significance (2). Last evaluated 2025-06-23.

Conditions:
Autosomal recessive severe congenital neutropenia due to G6PC3 deficiency. Also called: NEUTROPENIA, SEVERE CONGENITAL, 4, AUTOSOMAL RECESSIVE; G6PC3 Deficiency. Identifiers: Orphanet 331176, MedGen C2751630, MONDO:0012930, OMIM 612541.
Inborn genetic diseases. Identifiers: MedGen C0950123, MeSH D030342.

gnomAD v4.1: 1 of 1,614,044 alleles (0.000062%); highest among the groups gnomAD compares: Non-Finnish European, 0.000085%; no homozygotes.

Submissions (2):

Ambry Genetics
Classification: Uncertain significance for Inborn genetic diseases. Last evaluated: 2025-06-23. Review status: criteria provided, single submitter. Criteria: Ambry Variant Classification Scheme 2023. Collection method: clinical testing. Allele origin: germline.
Comment: The p.Y48D variant (also known as c.142T>G), located in coding exon 1 of the G6PC3 gene, results from a T to G substitution at nucleotide position 142. The tyrosine at codon 48 is replaced by aspartic acid, an amino acid with highly dissimilar properties. This amino acid position is conserved. In addition, the in silico prediction for this alteration is inconclusive. Based on the available evidence, the clinical significance of this variant remains unclear.

Labcorp Genetics (formerly Invitae), Labcorp
Classification: Uncertain significance for Autosomal recessive severe congenital neutropenia due to G6PC3 deficiency. Last evaluated: 2022-08-21. Review status: criteria provided, single submitter. Criteria: Invitae Variant Classification Sherloc (09022015). Collection method: clinical testing. Allele origin: germline.
Comment: This sequence change replaces tyrosine, which is neutral and polar, with aspartic acid, which is acidic and polar, at codon 48 of the G6PC3 protein (p.Tyr48Asp). This variant is not present in population databases (gnomAD no frequency). In summary, the available evidence is currently insufficient to determine the role of this variant in disease. Therefore, it has been classified as a Variant of Uncertain Significance. Algorithms developed to predict the effect of missense changes on protein structure and function (SIFT, PolyPhen-2, Align-GVGD) all suggest that this variant is likely to be tolerated. This variant has not been reported in the literature in individuals affected with G6PC3-related conditions.